The following is an entry in ClinVar:

NM_006415.4(SPTLC1):c.115C>A (p.Leu39Ile)

Gene: SPTLC1 (serine palmitoyltransferase long chain base subunit 1; minus strand). Cytogenetic location: 9q22.31.
Variant type: single nucleotide variant.
Coding change: c.115C>A on transcript NM_006415.4 (MANE Select); coding-DNA position 115, C replaced by A.
Protein change: p.Leu39Ile; replaces leucine 39 with isoleucine.
Molecular consequence: missense variant. On other transcripts: 5 prime UTR variant (2).
Genome position (GRCh38, 1-based): chr9:92,112,505, G>T on the plus strand (C>A on the coding strand, the complement: SPTLC1 is on the minus strand). VCF-style: chr9-92112505-G-T. GRCh37 (hg19) VCF-style: chr9-94874787-G-T.
Other names: c.115C>A, p.Leu39Ile (NM_001281303.2, NM_178324.3); c.-385C>A (NM_001368272.1); c.-351C>A (NM_001368273.1); short protein forms L39I.
Identifiers: ClinVar variation 945924 (VCV000945924.9), dbSNP rs1429250767, ClinGen allele CA373795565.

ClinVar aggregate classification (germline): Uncertain significance (1 of 4 stars; one submission).

Conditions:
Hereditary sensory and autonomic neuropathy type 1 (HSAN1). Also called: HSN Type I; Hereditary Sensory Neuropathy Type I; HSAN 1. Identifiers: Orphanet 36386, MedGen C0020071, MONDO:0018213.

Allele frequency attached by ClinVar (database versions not stated): gnomAD exomes below 0.00001; TOPMed 0.00001; gnomAD 0.00001.
gnomAD v4.1: 2 of 1,611,290 alleles (0.00012%); highest among the groups gnomAD compares: Non-Finnish European, 0.00017%; no homozygotes.

Submission:

Labcorp Genetics (formerly Invitae), Labcorp
Classification: Uncertain significance for Hereditary sensory and autonomic neuropathy type 1. Last evaluated: 2023-03-18. Review status: criteria provided, single submitter. Criteria: Invitae Variant Classification Sherloc (09022015). Collection method: clinical testing. Allele origin: germline.
Comment: This sequence change replaces leucine, which is neutral and non-polar, with isoleucine, which is neutral and non-polar, at codon 39 of the SPTLC1 protein (p.Leu39Ile). Advanced modeling of protein sequence and biophysical properties (such as structural, functional, and spatial information, amino acid conservation, physicochemical variation, residue mobility, and thermodynamic stability) has been performed at Invitae for this missense variant, however the output from this modeling did not meet the statistical confidence thresholds required to predict the impact of this variant on SPTLC1 protein function. ClinVar contains an entry for this variant (Variation ID: 945924). This variant has not been reported in the literature in individuals affected with SPTLC1-related conditions. The frequency data for this variant in the population databases is considered unreliable, as metrics indicate poor data quality at this position in the gnomAD database. In summary, the available evidence is currently insufficient to determine the role of this variant in disease. Therefore, it has been classified as a Variant of Uncertain Significance.